The following is an entry in ClinVar:

NM_001085411.3(NADK2):c.409C>T (p.Arg137Cys)

Gene: NADK2 (NAD kinase 2, mitochondrial; minus strand). Cytogenetic location: 5p13.2.
Variant type: single nucleotide variant.
Coding change: c.409C>T on transcript NM_001085411.3 (MANE Select); coding-DNA position 409, C replaced by T.
Protein change: p.Arg137Cys; replaces arginine 137 with cysteine.
Molecular consequence: missense variant. On other transcripts: 5 prime UTR variant (3).
Genome position (GRCh38, 1-based): chr5:36,226,544, G>A on the plus strand (C>T on the coding strand, the complement: NADK2 is on the minus strand). VCF-style: chr5-36226544-G-A. GRCh37 (hg19) VCF-style: chr5-36226646-G-A.
Other names: c.409C>T (NM_001085411.1); c.-81C>T (NM_001287340.2, NM_001287341.2, NM_153013.5); short protein forms R137C.
Identifiers: ClinVar variation 1986814 (VCV001986814.6), dbSNP rs539457956, ClinGen allele CA3234741.

ClinVar aggregate classification (germline): Uncertain significance. Review status: criteria provided, multiple submitters, no conflicts (2 of 4 stars). 2 submissions from 2 submitters: Uncertain significance (2). Last evaluated 2025-05-27.

Conditions:
Progressive encephalopathy with leukodystrophy due to DECR deficiency. Identifiers: Orphanet 431361, MedGen C1857252, MONDO:0014464, OMIM 616034.
Inborn genetic diseases. Identifiers: MedGen C0950123, MeSH D030342.

Allele frequency attached by ClinVar (database versions not stated): ExAC 0.00002; gnomAD exomes 0.00002; TOPMed 0.00002.
gnomAD v4.1: 30 of 1,611,992 alleles (0.0019%); highest among the groups gnomAD compares: South Asian, 0.0022%; no homozygotes.

Submissions (2):

Labcorp Genetics (formerly Invitae), Labcorp
Classification: Uncertain significance for Progressive encephalopathy with leukodystrophy due to DECR deficiency. Last evaluated: 2025-05-27. Review status: criteria provided, single submitter. Criteria: Invitae Variant Classification Sherloc (09022015). Collection method: clinical testing. Allele origin: germline.
Comment: This sequence change replaces arginine, which is basic and polar, with cysteine, which is neutral and slightly polar, at codon 137 of the NADK2 protein (p.Arg137Cys). This variant is present in population databases (rs539457956, gnomAD 0.002%). This variant has not been reported in the literature in individuals affected with NADK2-related conditions. ClinVar contains an entry for this variant (Variation ID: 1986814). Invitae Evidence Modeling of protein sequence and biophysical properties (such as structural, functional, and spatial information, amino acid conservation, physicochemical variation, residue mobility, and thermodynamic stability) indicates that this missense variant is expected to disrupt NADK2 protein function with a positive predictive value of 80%. In summary, the available evidence is currently insufficient to determine the role of this variant in disease. Therefore, it has been classified as a Variant of Uncertain Significance.

Ambry Genetics
Classification: Uncertain significance for Inborn genetic diseases. Last evaluated: 2023-08-04. Review status: criteria provided, single submitter. Criteria: Ambry Variant Classification Scheme 2023. Collection method: clinical testing. Allele origin: germline.